The following is an entry in ClinVar:

ClinVar aggregate classification (germline): Uncertain significance (1 of 4 stars; one submission).

Submission:

ARUP Laboratories, Molecular Genetics and Genomics, ARUP Laboratories
Classification: Uncertain significance. Last evaluated: 2019-09-25. Review status: criteria provided, single submitter. Criteria: ARUP Molecular Germline Variant Investigation Process. Collection method: clinical testing. Allele origin: germline.
Comment: The USH2A c.9187A>G; p.Lys3063Glu variant, to our knowledge, is not reported in the medical literature or gene-specific databases. This variant is also absent from general population databases (Exome Variant Server, Genome Aggregation Database), indicating it is not a common polymorphism. The lysine at codon 3063 is moderately conserved, and computational analyses (SIFT, PolyPhen-2) predict that this variant is tolerated. However, due to limited information, the clinical significance of the p.Lys3063Glu variant is uncertain at this time.

NM_206933.4(USH2A):c.9187A>G (p.Lys3063Glu)

Gene: USH2A (usherin; minus strand). Cytogenetic location: 1q41.
Variant type: single nucleotide variant.
Coding change: c.9187A>G on transcript NM_206933.4 (MANE Select); coding-DNA position 9187, A replaced by G.
Protein change: p.Lys3063Glu; replaces lysine 3063 with glutamic acid.
Molecular consequence: missense variant.
Genome position (GRCh38, 1-based): chr1:215,844,365, T>C on the plus strand (A>G on the coding strand, the complement: USH2A is on the minus strand). VCF-style: chr1-215844365-T-C. GRCh37 (hg19) VCF-style: chr1-216017707-T-C.
Other names: short protein forms K3063E.
Identifiers: ClinVar variation 993774 (VCV000993774.8), dbSNP rs1663780024, ClinGen allele CA344838714.